The following is an entry in ClinVar:

ClinVar aggregate classification (germline): Pathogenic. Review status: criteria provided, single submitter (1 of 4 stars). 3 submissions from 3 submitters: Pathogenic (1). 2 of the submissions do not count toward it. Last evaluated 2026-01-27.

Conditions:
Neuropathy, hereditary sensory and autonomic, type 1C. Also called: HSAN IC; HSN IC. Identifiers: Orphanet 36386, MedGen C3150896, MONDO:0013337, OMIM 613640.

Submissions (3):

Labcorp Genetics (formerly Invitae), Labcorp
Classification: Pathogenic for Neuropathy, hereditary sensory and autonomic, type 1C. Last evaluated: 2026-01-27. Review status: criteria provided, single submitter. Criteria: Invitae Variant Classification Sherloc (09022015). Collection method: clinical testing. Allele origin: germline.
Comment: This sequence change replaces alanine, which is neutral and non-polar, with proline, which is neutral and non-polar, at codon 182 of the SPTLC2 protein (p.Ala182Pro). This variant is not present in population databases (gnomAD no frequency). This missense change has been observed in individual(s) with clinical features of SPTLC2-related conditions and/or sensory and autonomic neuropathy type 1 (PMID: 23658386, 35837722). ClinVar contains an entry for this variant (Variation ID: 208302). Invitae Evidence Modeling of protein sequence and biophysical properties (such as structural, functional, and spatial information, amino acid conservation, physicochemical variation, residue mobility, and thermodynamic stability) indicates that this missense variant is expected to disrupt SPTLC2 protein function with a positive predictive value of 95%. Experimental studies have shown that this missense change affects SPTLC2 function (PMID: 23658386, 26681808). For these reasons, this variant has been classified as Pathogenic.

ClinVar Staff, National Center for Biotechnology Information (NCBI)
Classification: Pathogenic for Hereditary sensory and autonomic neuropathy type IC. Last evaluated: 2013-06-27. Review status: no assertion criteria provided. Collection method: literature only. Allele origin: germline. Affected: yes. Not counted in ClinVar's aggregate classification.

OMIM
Classification: Pathogenic for NEUROPATHY, HEREDITARY SENSORY AND AUTONOMIC, TYPE IC. Last evaluated: 2013-06-04. Review status: no assertion criteria provided. Collection method: literature only. Allele origin: germline. Not counted in ClinVar's aggregate classification.

Literature cited by the submitters: PubMed 23658386 (cited by 3 submitters); PubMed 35837722 (cited by Labcorp Genetics (formerly Invitae), Labcorp); PubMed 26681808 (cited by Labcorp Genetics (formerly Invitae), Labcorp).

NM_004863.4(SPTLC2):c.544G>C (p.Ala182Pro)

Gene: SPTLC2 (serine palmitoyltransferase long chain base subunit 2; minus strand). Cytogenetic location: 14q24.3.
Variant type: single nucleotide variant.
Coding change: c.544G>C on transcript NM_004863.4 (MANE Select); coding-DNA position 544, G replaced by C.
Protein change: p.Ala182Pro; replaces alanine 182 with proline.
Molecular consequence: missense variant.
Genome position (GRCh38, 1-based): chr14:77,576,854, C>G on the plus strand (G>C on the coding strand, the complement: SPTLC2 is on the minus strand). VCF-style: chr14-77576854-C-G. GRCh37 (hg19) VCF-style: chr14-78043197-C-G.
Other names: c.544G>C (LRG_371t1); short protein forms A182P.
Identifiers: ClinVar variation 208302 (VCV000208302.3), dbSNP rs864621998, ClinGen allele CA351005.